The following is an entry in ClinVar:

NM_005554.4(KRT6A):c.1290G>T (p.Leu430=)

Gene: KRT6A (keratin 6A; minus strand). Cytogenetic location: 12q13.13.
Variant type: single nucleotide variant.
Coding change: c.1290G>T on transcript NM_005554.4 (MANE Select); coding-DNA position 1290, G replaced by T.
Protein change: p.Leu430=; no amino-acid change (leucine 430 retained).
Molecular consequence: synonymous variant.
Genome position (GRCh38, 1-based): chr12:52,488,462, C>A on the plus strand (G>T on the coding strand, the complement: KRT6A is on the minus strand). VCF-style: chr12-52488462-C-A. GRCh37 (hg19) VCF-style: chr12-52882246-C-A.
Identifiers: ClinVar variation 3043315 (VCV003043315.2), dbSNP rs368052661, ClinGen allele CA6581890.
Genomic context (GRCh38, chr12:52,488,462, plus strand): 5'-CTCCTGGTACTCCTTCAGCAGCCGGGCCAGGTCCTGCTTGGCCTTCTGCAGGGCATCCTC[C>A]AGCCCTTCCAGCTTGTTCTTGGCATCCTTGAGGGCCATCTCCCCACGCTGCTCAGCATCA-3'
Protein context (NP_005545.1, residues 420-440): LKDAKNKLEG[Leu430=]EDALQKAKQD

ClinVar aggregate classification (germline): Likely benign (0 of 4 stars; one submission).

Conditions:
KRT6A-related disorder. Also called: KRT6A-related condition.

Allele frequency attached by ClinVar (database versions not stated): gnomAD 0.00021; TOPMed 0.00022; ESP Exome Variant Server 0.00023.
gnomAD v4.1: 592 of 1,614,048 alleles (0.037%); highest among the groups gnomAD compares: South Asian, 0.072%; no homozygotes.

Submission:

PreventionGenetics, part of Exact Sciences
Classification: Likely benign for KRT6A-related condition. Last evaluated: 2019-06-19. Review status: no assertion criteria provided. Collection method: clinical testing. Allele origin: germline.
Comment: This variant is classified as likely benign based on ACMG/AMP sequence variant interpretation guidelines (Richards et al. 2015 PMID: 25741868, with internal and published modifications).